The following is an entry in ClinVar:

ClinVar aggregate classification (germline): Uncertain significance (1 of 4 stars; one submission).

Conditions:
Dilated cardiomyopathy 1KK (CMD1KK). Identifiers: Orphanet 154, Orphanet 75249, MedGen C3714995, MONDO:0014100, OMIM 615248.

Submission:

Labcorp Genetics (formerly Invitae), Labcorp
Classification: Uncertain significance for Dilated cardiomyopathy 1KK. Last evaluated: 2021-04-19. Review status: criteria provided, single submitter. Criteria: Invitae Variant Classification Sherloc (09022015). Collection method: clinical testing. Allele origin: germline.
Comment: In summary, the available evidence is currently insufficient to determine the role of this variant in disease. Therefore, it has been classified as a Variant of Uncertain Significance. Algorithms developed to predict the effect of sequence changes on RNA splicing suggest that this variant may disrupt the consensus splice site, but this prediction has not been confirmed by published transcriptional studies. This variant has not been reported in the literature in individuals with MYPN-related conditions. This variant is not present in population databases (ExAC no frequency). This sequence change affects codon 494 of the MYPN mRNA. It is a 'silent' change, meaning that it does not change the encoded amino acid sequence of the MYPN protein. It affects a nucleotide within the consensus splice site of the intron.

NM_032578.4(MYPN):c.1482A>C (p.Pro494=)

Gene: MYPN (myopalladin; plus strand). Cytogenetic location: 10q21.3.
Variant type: single nucleotide variant.
Coding change: c.1482A>C on transcript NM_032578.4 (MANE Select); coding-DNA position 1482, A replaced by C.
Protein change: p.Pro494=; no amino-acid change (proline 494 retained).
Molecular consequence: synonymous variant. On other transcripts: non-coding transcript variant (1).
Genome position (GRCh38, 1-based): chr10:68,161,751, A>C. VCF-style: chr10-68161751-A-C. GRCh37 (hg19) VCF-style: chr10-69921508-A-C.
Other names: c.1482A>C, p.Pro494= (NM_001256267.2); c.600A>C, p.Pro200= (NM_001256268.2).
Identifiers: ClinVar variation 1385850 (VCV001385850.8), dbSNP rs532744333, ClinGen allele CA469803576.